The following is an entry in ClinVar:

NM_017617.5(NOTCH1):c.2918C>T (p.Ala973Val)

Gene: NOTCH1 (notch receptor 1; minus strand). Cytogenetic location: 9q34.3.
Variant type: single nucleotide variant.
Coding change: c.2918C>T on transcript NM_017617.5 (MANE Select); coding-DNA position 2918, C replaced by T.
Protein change: p.Ala973Val; replaces alanine 973 with valine.
Molecular consequence: missense variant.
Genome position (GRCh38, 1-based): chr9:136,509,784, G>A on the plus strand (C>T on the coding strand, the complement: NOTCH1 is on the minus strand). VCF-style: chr9-136509784-G-A. GRCh37 (hg19) VCF-style: chr9-139404236-G-A.
Other names: short protein forms A973V.
Identifiers: ClinVar variation 1797649 (VCV001797649.5), dbSNP rs770226987, ClinGen allele CA201581968.

ClinVar aggregate classification (germline): Uncertain significance. Review status: criteria provided, multiple submitters, no conflicts (2 of 4 stars). 2 submissions from 2 submitters: Uncertain significance (2). Last evaluated 2023-10-13.

Conditions:
Adams-Oliver syndrome 5 (AOS5). Identifiers: Orphanet 974, MedGen C4014970, MONDO:0014459, OMIM 616028.
Familial thoracic aortic aneurysm and aortic dissection (TAAD). Also called: Thoracic aortic aneurysms and dissections. Identifiers: Orphanet 91387, MedGen C4707243, MONDO:0019625.

gnomAD v4.1: 1 of 1,613,094 alleles (0.000062%); no homozygotes.

Submissions (2):

Labcorp Genetics (formerly Invitae), Labcorp
Classification: Uncertain significance for Adams-Oliver syndrome 5. Last evaluated: 2023-10-13. Review status: criteria provided, single submitter. Criteria: Invitae Variant Classification Sherloc (09022015). Collection method: clinical testing. Allele origin: germline.
Comment: This sequence change replaces alanine, which is neutral and non-polar, with valine, which is neutral and non-polar, at codon 973 of the NOTCH1 protein (p.Ala973Val). This variant is not present in population databases (gnomAD no frequency). This variant has not been reported in the literature in individuals affected with NOTCH1-related conditions. ClinVar contains an entry for this variant (Variation ID: 1797649). Advanced modeling of protein sequence and biophysical properties (such as structural, functional, and spatial information, amino acid conservation, physicochemical variation, residue mobility, and thermodynamic stability) performed at Invitae indicates that this missense variant is not expected to disrupt NOTCH1 protein function. In summary, the available evidence is currently insufficient to determine the role of this variant in disease. Therefore, it has been classified as a Variant of Uncertain Significance.

Ambry Genetics
Classification: Uncertain significance for Familial thoracic aortic aneurysm and aortic dissection. Last evaluated: 2022-04-03. Review status: criteria provided, single submitter. Criteria: Ambry Variant Classification Scheme 2023. Collection method: clinical testing. Allele origin: germline.
Comment: The p.A973V variant (also known as c.2918C>T), located in coding exon 18 of the NOTCH1 gene, results from a C to T substitution at nucleotide position 2918. The alanine at codon 973 is replaced by valine, an amino acid with similar properties. This amino acid position is conserved. In addition, this alteration is predicted to be tolerated by in silico analysis. Since supporting evidence is limited at this time, the clinical significance of this alteration remains unclear.